The following is an entry in ClinVar:

ClinVar aggregate classification (germline): Uncertain significance (1 of 4 stars; one submission).

Conditions:
Centromeric instability of chromosomes 1,9 and 16 and immunodeficiency (ICF1). Also called: CENTROMERIC INSTABILITY, IMMUNODEFICIENCY SYNDROME; IMMUNE DEFICIENCY, VARIABLE, WITH CENTROMERIC INSTABILITY OF CHROMOSOMES 1, 9, AND 16; IMMUNODEFICIENCY SYNDROME, VARIABLE; Immunodeficiency-centromeric instability-facial anomalies. Identifiers: Orphanet 2268, MedGen C0398788, MONDO:0000133.

Allele frequency attached by ClinVar (database versions not stated): ExAC 0.00001; gnomAD 0.00001; TOPMed 0.00002.
gnomAD v4.1: 14 of 1,613,982 alleles (0.00087%); highest among the groups gnomAD compares: South Asian, 0.0022%; no homozygotes.

Submission:

Labcorp Genetics (formerly Invitae), Labcorp
Classification: Uncertain significance for Centromeric instability of chromosomes 1,9 and 16 and immunodeficiency. Last evaluated: 2022-06-01. Review status: criteria provided, single submitter. Criteria: Invitae Variant Classification Sherloc (09022015). Collection method: clinical testing. Allele origin: germline.
Comment: This sequence change replaces alanine, which is neutral and non-polar, with threonine, which is neutral and polar, at codon 395 of the DNMT3B protein (p.Ala395Thr). This variant is present in population databases (rs753291521, gnomAD 0.006%). This variant has not been reported in the literature in individuals affected with DNMT3B-related conditions. ClinVar contains an entry for this variant (Variation ID: 944424). Algorithms developed to predict the effect of missense changes on protein structure and function (SIFT, PolyPhen-2, Align-GVGD) all suggest that this variant is likely to be tolerated. In summary, the available evidence is currently insufficient to determine the role of this variant in disease. Therefore, it has been classified as a Variant of Uncertain Significance.

NM_006892.4(DNMT3B):c.1183G>A (p.Ala395Thr)

Gene: DNMT3B (DNA methyltransferase 3 beta; plus strand). Cytogenetic location: 20q11.21.
Variant type: single nucleotide variant.
Coding change: c.1183G>A on transcript NM_006892.4 (MANE Select); coding-DNA position 1183, G replaced by A.
Protein change: p.Ala395Thr; replaces alanine 395 with threonine.
Molecular consequence: missense variant.
Genome position (GRCh38, 1-based): chr20:32,795,465, G>A. VCF-style: chr20-32795465-G-A. GRCh37 (hg19) VCF-style: chr20-31383271-G-A.
Other names: c.997G>A, p.Ala333Thr (NM_001207055.2); c.895G>A, p.Ala299Thr (NM_001207056.2); c.1123G>A, p.Ala375Thr (NM_175848.2, NM_175849.2); c.1159G>A, p.Ala387Thr (NM_175850.3); short protein forms A333T, A387T, A395T, A375T, A299T.
Identifiers: ClinVar variation 944424 (VCV000944424.5), dbSNP rs753291521, ClinGen allele CA9810456.